The following is an entry in ClinVar:

NM_000368.5(TSC1):c.774G>A (p.Glu258=)

Gene: TSC1 (TSC complex subunit 1; minus strand). Cytogenetic location: 9q34.13.
Variant type: single nucleotide variant.
Coding change: c.774G>A on transcript NM_000368.5 (MANE Select); coding-DNA position 774, G replaced by A.
Protein change: p.Glu258=; no amino-acid change (glutamic acid 258 retained).
Molecular consequence: synonymous variant.
Genome position (GRCh38, 1-based): chr9:132,912,421, C>T on the plus strand (G>A on the coding strand, the complement: TSC1 is on the minus strand). VCF-style: chr9-132912421-C-T. GRCh37 (hg19) VCF-style: chr9-135787808-C-T.
Other names: c.774G>A, p.Glu258= (NM_001162426.2); c.621G>A, p.Glu207= (NM_001162427.2); c.411G>A, p.Glu137= (NM_001362177.2).
Identifiers: ClinVar variation 466155 (VCV000466155.18), dbSNP rs1554817678, ClinGen allele CA467593603.
Genomic context (GRCh38, chr9:132,912,421, plus strand): 5'-AGACACAGAATAGCCATCTTCATATGAGGCTTCTGTGGGATCCAGAGAGATTTTGGCACA[C>T]TCGATCACAACATCATGAGTTTCTAATCTCTTCCACCTGTAAAATGCAATGAAAGTCAAG-3'
Protein context (NP_000359.1, residues 248-268): KRLETHDVVI[Glu258=]CAKISLDPTE

ClinVar aggregate classification (germline): Benign/Likely benign. Review status: criteria provided, multiple submitters, no conflicts (2 of 4 stars). 6 submissions from 6 submitters: Benign (1); Likely benign (5). Last evaluated 2025-07-23.

Conditions:
Tuberous sclerosis 1 (TSC1). Identifiers: Orphanet 805, MedGen C1854465, MONDO:0008612, OMIM 191100.
Hereditary cancer-predisposing syndrome. Also called: Hereditary neoplastic syndrome; Neoplastic Syndromes, Hereditary; Tumor predisposition; Hereditary Cancer Syndrome. Identifiers: Orphanet 140162, MedGen C0027672, MeSH D009386, MONDO:0015356.
Tuberous sclerosis syndrome (TSC). Also called: Tuberous Sclerosis Complex; Tuberous sclerosis. Identifiers: Orphanet 805, MedGen C0041341, MONDO:0001734.

Allele frequency attached by ClinVar (database versions not stated): gnomAD 0.00001; TOPMed 0.00001; gnomAD exomes 0.00002.

Submissions (6):

Labcorp Genetics (formerly Invitae), Labcorp
Classification: Likely benign for Tuberous sclerosis 1. Last evaluated: 2025-07-23. Review status: criteria provided, single submitter. Criteria: Invitae Variant Classification Sherloc (09022015). Collection method: clinical testing. Allele origin: germline.

Myriad Genetics, Inc.
Classification: Benign for Tuberous sclerosis 1. Last evaluated: 2025-04-08. Review status: criteria provided, single submitter. Criteria: Myriad Autosomal Dominant, Autosomal Recessive and X-Linked Classification Criteria (2023). Collection method: clinical testing. Allele origin: unknown.
Comment: This variant is considered benign. This variant is a silent/synonymous amino acid change and it is not expected to impact splicing.

All of Us Research Program, National Institutes of Health
Classification: Likely benign for Tuberous sclerosis syndrome. Last evaluated: 2024-05-30. Review status: criteria provided, single submitter. Criteria: ACMG Guidelines, 2015. Collection method: clinical testing. Allele origin: germline. Inheritance: Autosomal dominant inheritance. Observed: 1 variant allele, 1 heterozygote.
Comment: This study involves interpretation of variants in research participants for the purpose of population health screening. Participant phenotype was not available at the time of variant classification. Additional details can be found in publication PMID: 35346344, PMCID: PMC8962531

Color Diagnostics, LLC DBA Color Health
Classification: Likely benign for Tuberous sclerosis syndrome. Last evaluated: 2024-05-14. Review status: criteria provided, single submitter. Criteria: ACMG Guidelines, 2015. Collection method: clinical testing. Allele origin: germline.

Sema4
Classification: Likely benign for Hereditary cancer-predisposing syndrome. Last evaluated: 2021-07-01. Review status: criteria provided, single submitter. Criteria: Sema4 Curation Guidelines. Collection method: curation. Allele origin: germline.

Ambry Genetics
Classification: Likely benign for Hereditary cancer-predisposing syndrome. Last evaluated: 2021-02-05. Review status: criteria provided, single submitter. Criteria: Ambry Variant Classification Scheme 2023. Collection method: clinical testing. Allele origin: germline.